The following is an entry in ClinVar:

ClinVar aggregate classification (germline): Uncertain significance (1 of 4 stars; one submission).

Allele frequency attached by ClinVar (database versions not stated): gnomAD 0.00001; gnomAD exomes 0.00001; TOPMed 0.00001.
gnomAD v4.1: 8 of 1,612,082 alleles (0.0005%); highest among the groups gnomAD compares: Non-Finnish European, 0.00068%; no homozygotes.

Submission:

Labcorp Genetics (formerly Invitae), Labcorp
Classification: Uncertain significance. Last evaluated: 2022-08-20. Review status: criteria provided, single submitter. Criteria: Invitae Variant Classification Sherloc (09022015). Collection method: clinical testing. Allele origin: germline.
Comment: This variant has not been reported in the literature in individuals affected with IFT52-related conditions. This variant is present in population databases (no rsID available, gnomAD 0.002%). This sequence change replaces glycine, which is neutral and non-polar, with arginine, which is basic and polar, at codon 243 of the IFT52 protein (p.Gly243Arg). In summary, the available evidence is currently insufficient to determine the role of this variant in disease. Therefore, it has been classified as a Variant of Uncertain Significance. Algorithms developed to predict the effect of missense changes on protein structure and function are either unavailable or do not agree on the potential impact of this missense change (SIFT: "Not Available"; PolyPhen-2: "Benign"; Align-GVGD: "Not Available").

NM_016004.5(IFT52):c.727G>A (p.Gly243Arg)

Gene: IFT52 (intraflagellar transport 52; plus strand). Cytogenetic location: 20q13.12.
Variant type: single nucleotide variant.
Coding change: c.727G>A on transcript NM_016004.5 (MANE Select); coding-DNA position 727, G replaced by A.
Protein change: p.Gly243Arg; replaces glycine 243 with arginine.
Molecular consequence: missense variant.
Genome position (GRCh38, 1-based): chr20:43,620,884, G>A. VCF-style: chr20-43620884-G-A. GRCh37 (hg19) VCF-style: chr20-42249524-G-A.
Other names: c.727G>A, p.Gly243Arg (NM_001303458.3, NM_001303459.3); c.199G>A, p.Gly67Arg (NM_001323578.2, NM_001323580.2); c.76G>A, p.Gly26Arg (NM_001323579.2, NM_001323581.2); short protein forms G243R, G26R, G67R.
Identifiers: ClinVar variation 1908045 (VCV001908045.5), dbSNP rs1234390429, ClinGen allele CA409085086.